The following is an entry in ClinVar:

ClinVar aggregate classification (germline): Conflicting classifications of pathogenicity. Review status: criteria provided, conflicting classifications (1 of 4 stars). 2 submissions from 2 submitters: Uncertain significance (1); Likely benign (1). Last evaluated 2026-09-08.

Conditions:
Hereditary nonpolyposis colorectal neoplasms. Identifiers: MedGen C0009405, MeSH D003123.
Hereditary cancer-predisposing syndrome. Also called: Neoplastic Syndromes, Hereditary; Hereditary neoplastic syndrome; Hereditary Cancer Syndrome; Tumor predisposition. Identifiers: Orphanet 140162, MedGen C0027672, MeSH D009386, MONDO:0015356.

Submissions (2):

Ambry Genetics
Classification: Likely benign for Hereditary cancer-predisposing syndrome. Last evaluated: 2026-09-08. Review status: criteria provided, single submitter. Criteria: Ambry Variant Classification Scheme 2023. Collection method: clinical testing. Allele origin: germline.

Labcorp Genetics (formerly Invitae), Labcorp
Classification: Uncertain significance for Hereditary nonpolyposis colorectal neoplasms. Last evaluated: 2025-06-22. Review status: criteria provided, single submitter. Criteria: Invitae Variant Classification Sherloc (09022015). Collection method: clinical testing. Allele origin: germline.
Comment: This sequence change replaces glycine, which is neutral and non-polar, with aspartic acid, which is acidic and polar, at codon 661 of the MSH6 protein (p.Gly661Asp). This variant is not present in population databases (gnomAD no frequency). This variant has not been reported in the literature in individuals affected with MSH6-related conditions. ClinVar contains an entry for this variant (Variation ID: 455168). Invitae Evidence Modeling of protein sequence and biophysical properties (such as structural, functional, and spatial information, amino acid conservation, physicochemical variation, residue mobility, and thermodynamic stability) indicates that this missense variant is not expected to disrupt MSH6 protein function with a negative predictive value of 95%. In summary, the available evidence is currently insufficient to determine the role of this variant in disease. Therefore, it has been classified as a Variant of Uncertain Significance.

NM_000179.3(MSH6):c.1982G>A (p.Gly661Asp)

Gene: MSH6 (mutS homolog 6; plus strand). Cytogenetic location: 2p16.3.
Variant type: single nucleotide variant.
Coding change: c.1982G>A on transcript NM_000179.3 (MANE Select); coding-DNA position 1982, G replaced by A.
Protein change: p.Gly661Asp; replaces glycine 661 with aspartic acid.
Molecular consequence: missense variant.
Genome position (GRCh38, 1-based): chr2:47,799,965, G>A. VCF-style: chr2-47799965-G-A. GRCh37 (hg19) VCF-style: chr2-48027104-G-A.
Other names: c.1592G>A, p.Gly531Asp (NM_001281492.2); c.1076G>A, p.Gly359Asp (NM_001281493.2, NM_001281494.2); short protein forms G661D, G359D, G531D.
Identifiers: ClinVar variation 455168 (VCV000455168.11), dbSNP rs1553413342, ClinGen allele CA346750628.